The following is an entry in ClinVar:

NC_000015.10:g.84817082G>C

Gene: ALPK3 (alpha kinase 3; plus strand). Cytogenetic location: 15q25.3.
Variant type: single nucleotide variant.
Genome position: GRCh38 VCF-style: chr15-84817082-G-C. GRCh37 (hg19) VCF-style: chr15-85360313-G-C.
Identifiers: ClinVar variation 1518463 (VCV001518463.8), dbSNP rs2141541689, ClinGen allele CA393368494.

ClinVar aggregate classification (germline): Uncertain significance (1 of 4 stars; one submission).

Submission:

Labcorp Genetics (formerly Invitae), Labcorp
Classification: Uncertain significance. Last evaluated: 2024-02-17. Review status: criteria provided, single submitter. Criteria: Invitae Variant Classification Sherloc (09022015). Collection method: clinical testing. Allele origin: germline.
Comment: This sequence change replaces serine, which is neutral and polar, with threonine, which is neutral and polar, at codon 79 of the ALPK3 protein (p.Ser79Thr). This variant is not present in population databases (gnomAD no frequency). This variant has not been reported in the literature in individuals affected with ALPK3-related conditions. ClinVar contains an entry for this variant (Variation ID: 1518463). An algorithm developed to predict the effect of missense changes on protein structure and function (PolyPhen-2) suggests that this variant is likely to be tolerated. In summary, the available evidence is currently insufficient to determine the role of this variant in disease. Therefore, it has been classified as a Variant of Uncertain Significance.